The following is an entry in ClinVar:

ClinVar aggregate classification (germline): Uncertain significance (1 of 4 stars; one submission).

Submission:

CeGaT Center for Human Genetics Tuebingen
Classification: Uncertain significance. Last evaluated: 2026-06-01. Review status: criteria provided, single submitter. Criteria: CeGaT Center For Human Genetics Tuebingen Variant Classification Criteria Version 2. Collection method: clinical testing. Allele origin: germline. Affected: yes. Observed: 1 variant allele.
Comment: USP25: PM2, BP4

NM_001283041.3(USP25):c.2553T>G (p.Ile851Met)

Gene: USP25 (ubiquitin specific peptidase 25; plus strand). Cytogenetic location: 21q21.1.
Variant type: single nucleotide variant.
Coding change: c.2553T>G on transcript NM_001283041.3 (MANE Select); coding-DNA position 2553, T replaced by G.
Protein change: p.Ile851Met; replaces isoleucine 851 with methionine.
Molecular consequence: missense variant.
Genome position (GRCh38, 1-based): chr21:15,864,273, T>G. VCF-style: chr21-15864273-T-G. GRCh37 (hg19) VCF-style: chr21-17236592-T-G.
Other names: c.1131T>G, p.Ile377Met (NM_001388301.1, NM_001352561.2, NM_001388300.1); c.1122T>G, p.Ile374Met (NM_001388302.1); c.2343T>G, p.Ile781Met (NM_013396.6); c.2439T>G, p.Ile813Met (NM_001283042.3); c.1680T>G, p.Ile560Met (NM_001352560.2, NM_001388299.1); short protein forms I374M, I377M, I560M, I781M, I813M, I851M.
Identifiers: ClinVar variation 4875102 (VCV004875102.2).